The following is an entry in ClinVar:

NM_015272.5(RPGRIP1L):c.553G>A (p.Val185Ile)

Gene: RPGRIP1L (RPGRIP1 like; minus strand). Cytogenetic location: 16q12.2.
Variant type: single nucleotide variant.
Coding change: c.553G>A on transcript NM_015272.5 (MANE Select); coding-DNA position 553, G replaced by A.
Protein change: p.Val185Ile; replaces valine 185 with isoleucine.
Molecular consequence: missense variant.
Genome position (GRCh38, 1-based): chr16:53,687,942, C>T on the plus strand (G>A on the coding strand, the complement: RPGRIP1L is on the minus strand). VCF-style: chr16-53687942-C-T. GRCh37 (hg19) VCF-style: chr16-53721854-C-T.
Other names: c.553G>A, p.Val185Ile (NM_001127897.4, NM_001308334.3, NM_001330538.2); short protein forms V185I.
Identifiers: ClinVar variation 4988860 (VCV004988860.1).

ClinVar aggregate classification (germline): Uncertain significance (1 of 4 stars; one submission).

Conditions:
RPGRIP1L-related disorder. Also called: RPGRIP1L-related disorders; RPGRIP1L-related condition. Identifiers: MedGen CN239416.

gnomAD v4.1: 21 of 1,608,336 alleles (0.0013%); highest among the groups gnomAD compares: Non-Finnish European, 0.0017%; no homozygotes.

Submission:

PreventionGenetics, part of Exact Sciences
Classification: Uncertain significance for RPGRIP1L-related condition. Last evaluated: 2026-06-01. Review status: criteria provided, single submitter. Criteria: ACMG Guidelines, 2015. Collection method: clinical testing. Allele origin: germline.
Comment: The RPGRIP1L c.553G>A variant is predicted to result in the amino acid substitution p.Val185Ile. To our knowledge, this variant has not been reported in the literature. This variant is reported in 0.0018% of alleles in individuals of European (Non-Finnish) descent in gnomAD. At this time, the clinical significance of this variant is uncertain due to the absence of conclusive functional and genetic evidence.